The following is an entry in ClinVar:

NM_001363711.2(DUOX2):c.1493C>T (p.Pro498Leu)

Gene: DUOX2 (dual oxidase 2; minus strand). Cytogenetic location: 15q21.1.
Variant type: single nucleotide variant.
Coding change: c.1493C>T on transcript NM_001363711.2 (MANE Select); coding-DNA position 1493, C replaced by T.
Protein change: p.Pro498Leu; replaces proline 498 with leucine.
Molecular consequence: missense variant.
Genome position (GRCh38, 1-based): chr15:45,108,128, G>A on the plus strand (C>T on the coding strand, the complement: DUOX2 is on the minus strand). VCF-style: chr15-45108128-G-A. GRCh37 (hg19) VCF-style: chr15-45400326-G-A.
Other names: c.1493C>T, p.Pro498Leu (NM_014080.5); short protein forms P498L.
Identifiers: ClinVar variation 4764288 (VCV004764288.1).
Genomic context (GRCh38, chr15:45,108,128, plus strand): 5'-CAGTAGCGGTCACCATCCCGCAGCCGTACAAACTGGTCGAGGACAATGGCACTGAACAGG[G>A]GTCCAGGGTCCCCATGGCTCTCCAGGAGCCCCCCAAGGAGCAGCTCTAGCTGGGATAGGT-3'
Protein context (NP_001350640.1, residues 488-508): GLLESHGDPG[Pro498Leu]LFSAIVLDQF

ClinVar aggregate classification (germline): Uncertain significance (1 of 4 stars; one submission).

gnomAD v4.1: 2 of 1,614,156 alleles (0.00012%); highest among the groups gnomAD compares: Non-Finnish European, 0.00017%; no homozygotes.

Submission:

Labcorp Genetics (formerly Invitae), Labcorp
Classification: Uncertain significance. Last evaluated: 2025-08-30. Review status: criteria provided, single submitter. Criteria: Invitae Variant Classification Sherloc (09022015). Collection method: clinical testing. Allele origin: germline.
Comment: This sequence change replaces proline, which is neutral and non-polar, with leucine, which is neutral and non-polar, at codon 498 of the DUOX2 protein (p.Pro498Leu). This variant is not present in population databases (gnomAD no frequency). This variant has not been reported in the literature in individuals affected with DUOX2-related conditions. Invitae Evidence Modeling of protein sequence and biophysical properties (such as structural, functional, and spatial information, amino acid conservation, physicochemical variation, residue mobility, and thermodynamic stability) indicates that this missense variant is not expected to disrupt DUOX2 protein function with a negative predictive value of 80%. In summary, the available evidence is currently insufficient to determine the role of this variant in disease. Therefore, it has been classified as a Variant of Uncertain Significance.